The following is an entry in ClinVar:

NM_001114753.3(ENG):c.595C>G (p.Arg199Gly)

Gene: ENG (endoglin; minus strand). Cytogenetic location: 9q34.11.
Variant type: single nucleotide variant.
Coding change: c.595C>G on transcript NM_001114753.3 (MANE Select); coding-DNA position 595, C replaced by G.
Protein change: p.Arg199Gly; replaces arginine 199 with glycine.
Molecular consequence: missense variant.
Genome position (GRCh38, 1-based): chr9:127,825,789, G>C on the plus strand (C>G on the coding strand, the complement: ENG is on the minus strand). VCF-style: chr9-127825789-G-C. GRCh37 (hg19) VCF-style: chr9-130588068-G-C.
Other names: c.49C>G, p.Arg17Gly (NM_001278138.2); c.595C>G, p.Arg199Gly (NM_001406715.1, NM_000118.4); short protein forms R17G, R199G.
Identifiers: ClinVar variation 4827232 (VCV004827232.1).
Genomic context (GRCh38, chr9:127,825,789, plus strand): 5'-GCGCCTCCTTGTGGCCGGCCACGCCTTCCAAGTGGCAGCCCCGGACCAAGGCTGGAGTAC[G>C]CGGCCGCCACTCGAGCGTGCGGCCCATGTCCTGGCTGGCTTCCAGCATGCAGAAGGACAG-3'
Protein context (NP_001108225.1, residues 189-209): DMGRTLEWRP[Arg199Gly]TPALVRGCHL

ClinVar aggregate classification (germline): Uncertain significance (1 of 4 stars; one submission).

Conditions:
Cardiovascular phenotype. Identifiers: MedGen CN230736.

Submission:

Ambry Genetics
Classification: Uncertain significance for Cardiovascular phenotype. Last evaluated: 2026-03-02. Review status: criteria provided, single submitter. Criteria: Ambry Variant Classification Scheme 2023. Collection method: clinical testing. Allele origin: germline.
Comment: The p.R199G variant (also known as c.595C>G), located in coding exon 5 of the ENG gene, results from a C to G substitution at nucleotide position 595. The arginine at codon 199 is replaced by glycine, an amino acid with dissimilar properties. This amino acid position is conserved. In addition, this alteration is predicted to be tolerated by in silico analysis. Based on the available evidence, the clinical significance of this variant remains unclear.